The following is an entry in ClinVar:

ClinVar aggregate classification (germline): Conflicting classifications of pathogenicity. Review status: criteria provided, conflicting classifications (1 of 4 stars). 5 submissions from 5 submitters: Uncertain significance (1); Likely benign (3). 1 of the submissions does not count toward it. Last evaluated 2025-12-09.

Conditions:
OFD1-related disorder. Also called: OFD1-related condition.
Joubert syndrome 10 (JBTS10). Identifiers: Orphanet 2754, MedGen C2749019, MONDO:0010431, OMIM 300804.
Orofaciodigital syndrome I (OFD1). Also called: Papillon-Leage and Psaume Syndrome; Oral-Facial-Digital Syndrome Type I; OFDS I. Identifiers: Orphanet 2750, MedGen C1510460, MONDO:0010702, OMIM 311200.
Simpson-Golabi-Behmel syndrome type 2. Identifiers: Orphanet 79022, MedGen C1846175, MONDO:0010265, OMIM 300209.
Retinitis pigmentosa 23 (RP23). Identifiers: Orphanet 791, MedGen C1419610, MONDO:0010320, OMIM 300424.
Primary ciliary dyskinesia. Also called: Ciliary dyskinesia. Identifiers: Orphanet 244, MedGen C0008780, MONDO:0016575, HP:0012265.
Joubert syndrome. Also called: Familial aplasia of the vermis; JOUBERT-BOLTSHAUSER SYNDROME. Identifiers: Orphanet 475, MedGen C5979921, MONDO:0018772.

Allele frequency attached by ClinVar (database versions not stated): gnomAD 0.00001 and 0.00003; ExAC 0.00002; gnomAD exomes 0.00002 and 0.00003; TOPMed 0.00005.
gnomAD v4.1: 29 of 1,200,729 alleles (0.0024%); highest among the groups gnomAD compares: Non-Finnish European, 0.0033%; no homozygotes.

Submissions (5):

Labcorp Genetics (formerly Invitae), Labcorp
Classification: Likely benign for Orofaciodigital syndrome I; Joubert syndrome. Last evaluated: 2025-12-09. Review status: criteria provided, single submitter. Criteria: Invitae Variant Classification Sherloc (09022015). Collection method: clinical testing. Allele origin: germline.

Ambry Genetics
Classification: Likely benign for Primary ciliary dyskinesia. Last evaluated: 2025-07-15. Review status: criteria provided, single submitter. Criteria: Ambry Variant Classification Scheme 2023. Collection method: clinical testing. Allele origin: germline.

Blueprint Genetics
Classification: Likely benign. Last evaluated: 2024-08-22. Review status: criteria provided, single submitter. Criteria: ACMG Guidelines, 2015. Collection method: clinical testing. Allele origin: germline.

Fulgent Genetics
Classification: Uncertain significance for Simpson-Golabi-Behmel syndrome type 2; Retinitis pigmentosa 23; Joubert syndrome 10; Orofaciodigital syndrome I. Last evaluated: 2018-10-31. Review status: criteria provided, single submitter. Criteria: ACMG Guidelines, 2015. Collection method: clinical testing. Allele origin: unknown.

PreventionGenetics, part of Exact Sciences
Classification: Likely benign for OFD1-related condition. Last evaluated: 2024-07-27. Review status: no assertion criteria provided. Collection method: clinical testing. Allele origin: germline. Not counted in ClinVar's aggregate classification.
Comment: This variant is classified as likely benign based on ACMG/AMP sequence variant interpretation guidelines (Richards et al. 2015 PMID: 25741868, with internal and published modifications).

NM_003611.3(OFD1):c.892G>A (p.Gly298Arg)

Gene: OFD1 (OFD1 centriole and centriolar satellite protein; plus strand). Cytogenetic location: Xp22.2.
Variant type: single nucleotide variant.
Coding change: c.892G>A on transcript NM_003611.3 (MANE Select); coding-DNA position 892, G replaced by A.
Protein change: p.Gly298Arg; replaces glycine 298 with arginine.
Molecular consequence: missense variant.
Genome position (GRCh38, 1-based): chrX:13,749,490, G>A. VCF-style: chrX-13749490-G-A. GRCh37 (hg19) VCF-style: chrX-13767609-G-A.
Other names: c.892G>A, p.Gly298Arg (NM_001330209.2); c.472G>A, p.Gly158Arg (NM_001330210.2); short protein forms G298R, G158R.
Identifiers: ClinVar variation 532267 (VCV000532267.19), dbSNP rs778349684, ClinGen allele CA10351708.